The following is an entry in ClinVar:

NM_001025616.3(ARHGAP24):c.178T>G (p.Leu60Val)

Gene: ARHGAP24 (Rho GTPase activating protein 24; plus strand). Cytogenetic location: 4q21.23.
Variant type: single nucleotide variant.
Coding change: c.178T>G on transcript NM_001025616.3 (MANE Select); coding-DNA position 178, T replaced by G.
Protein change: p.Leu60Val; replaces leucine 60 with valine.
Molecular consequence: missense variant.
Genome position (GRCh38, 1-based): chr4:85,570,719, T>G. VCF-style: chr4-85570719-T-G. GRCh37 (hg19) VCF-style: chr4-86491872-T-G.
Other names: c.178T>G (NM_001025616.2); short protein forms L60V.
Identifiers: ClinVar variation 1427945 (VCV001427945.7), dbSNP rs777466544, ClinGen allele CA2994333.
Genomic context (GRCh38, chr4:85,570,719, plus strand): 5'-TGGTTTGTGCTCAAGGGGGATCAGCTCTATTATTTCAAAGATGAAGATGAAACCAAGCCC[T>G]TGGTGAGTAGGAGAAAATGTAAAGCATTAAGGGCCTAAGAAAGCCAAGAAATAGAGGGAT-3'
Protein context (NP_001020787.2, residues 50-70): YFKDEDETKP[Leu60Val]GTIFLPGNKV

ClinVar aggregate classification (germline): Uncertain significance. Review status: criteria provided, multiple submitters, no conflicts (2 of 4 stars). 2 submissions from 2 submitters: Uncertain significance (2). Last evaluated 2025-08-14.

Allele frequency attached by ClinVar (database versions not stated): gnomAD exomes below 0.00001 and 0.00001; ExAC 0.00001.
gnomAD v4.1: 3 of 1,613,976 alleles (0.00019%); highest among the groups gnomAD compares: Non-Finnish European, 0.00025%; no homozygotes.

Submissions (2):

Ambry Genetics
Classification: Uncertain significance. Last evaluated: 2025-08-14. Review status: criteria provided, single submitter. Criteria: Ambry Variant Classification Scheme 2023. Collection method: clinical testing. Allele origin: germline.

Labcorp Genetics (formerly Invitae), Labcorp
Classification: Uncertain significance. Last evaluated: 2022-08-10. Review status: criteria provided, single submitter. Criteria: Invitae Variant Classification Sherloc (09022015). Collection method: clinical testing. Allele origin: germline.
Comment: This variant is present in population databases (rs777466544, gnomAD 0.0009%). This sequence change replaces leucine, which is neutral and non-polar, with valine, which is neutral and non-polar, at codon 60 of the ARHGAP24 protein (p.Leu60Val). This variant has not been reported in the literature in individuals affected with ARHGAP24-related conditions. ClinVar contains an entry for this variant (Variation ID: 1427945). Algorithms developed to predict the effect of missense changes on protein structure and function are either unavailable or do not agree on the potential impact of this missense change (SIFT: "Deleterious"; PolyPhen-2: "Benign"; Align-GVGD: "Class C0"). In summary, the available evidence is currently insufficient to determine the role of this variant in disease. Therefore, it has been classified as a Variant of Uncertain Significance.